The following is an entry in ClinVar:

NM_016306.6(DNAJB11):c.582C>T (p.Asp194=)

Gene: DNAJB11 (DnaJ heat shock protein family (Hsp40) member B11; plus strand). Cytogenetic location: 3q27.3.
Variant type: single nucleotide variant.
Coding change: c.582C>T on transcript NM_016306.6 (MANE Select); coding-DNA position 582, C replaced by T.
Protein change: p.Asp194=; no amino-acid change (aspartic acid 194 retained).
Molecular consequence: synonymous variant. On other transcripts: non-coding transcript variant (5), intron variant (1).
Genome position (GRCh38, 1-based): chr3:186,581,496, C>T. VCF-style: chr3-186581496-C-T. GRCh37 (hg19) VCF-style: chr3-186299285-C-T.
Other names: c.324-499C>T (NM_001378451.1).
Identifiers: ClinVar variation 3047011 (VCV003047011.4), dbSNP rs138789127, ClinGen allele CA2744519.
Genomic context (GRCh38, chr3:186,581,496, plus strand): 5'-GATGCGGACCACCCAGCTGGGCCCTGGGCGCTTCCAAATGACCCAGGAGGTGGTCTGCGA[C>T]GAATGCCCTAATGTCAAGTAAGTGAAAGCACCTTCTTTGTTCTACCAAGAAACACTTGTT-3'
Protein context (NP_057390.1, residues 184-204): RFQMTQEVVC[Asp194=]ECPNVKLVNE

ClinVar aggregate classification (germline): Likely benign. Review status: criteria provided, single submitter (1 of 4 stars). 2 submissions from 2 submitters: Likely benign (1). 1 of the submissions does not count toward it. Last evaluated 2024-12-17.

Conditions:
DNAJB11-related disorder. Also called: DNAJB11-related condition.

Allele frequency attached by ClinVar (database versions not stated): gnomAD exomes 0.00002; ExAC 0.00003; TOPMed 0.00005; gnomAD 0.00006; ESP Exome Variant Server 0.00008.
gnomAD v4.1: 52 of 1,612,844 alleles (0.0032%); highest among the groups gnomAD compares: African/African-American, 0.013%; no homozygotes.

Submissions (2):

Labcorp Genetics (formerly Invitae), Labcorp
Classification: Likely benign. Last evaluated: 2024-12-17. Review status: criteria provided, single submitter. Criteria: Invitae Variant Classification Sherloc (09022015). Collection method: clinical testing. Allele origin: germline.

PreventionGenetics, part of Exact Sciences
Classification: Likely benign for DNAJB11-related condition. Last evaluated: 2022-03-19. Review status: no assertion criteria provided. Collection method: clinical testing. Allele origin: germline. Not counted in ClinVar's aggregate classification.
Comment: This variant is classified as likely benign based on ACMG/AMP sequence variant interpretation guidelines (Richards et al. 2015 PMID: 25741868, with internal and published modifications).